The following is an entry in ClinVar:

ClinVar aggregate classification (germline): Pathogenic/Likely pathogenic. Review status: criteria provided, multiple submitters, no conflicts (2 of 4 stars). 2 submissions from 2 submitters: Pathogenic (1); Likely pathogenic (1). Last evaluated 2024-08-30.

Conditions:
Disproportionate tall stature. Also called: Dolichostenomelia. Identifiers: MedGen C1836996, HP:0001519.

Submissions (2):

GeneDx
Classification: Pathogenic. Last evaluated: 2024-08-30. Review status: criteria provided, single submitter. Criteria: GeneDx Variant Classification Process June 2021. Collection method: clinical testing. Allele origin: germline. Affected: yes.
Comment: Not observed at significant frequency in large population cohorts (gnomAD); In silico analysis supports that this missense variant has a deleterious effect on protein structure/function; This variant is associated with the following publications: (PMID: 31980905)

Center of Genomic medicine, Geneva, University Hospital of Geneva
Classification: Likely pathogenic for Disproportionate tall stature. Last evaluated: 2017-06-12. Review status: criteria provided, single submitter. Criteria: ACMG Guidelines, 2015. Collection method: clinical testing. Allele origin: de novo. Affected: yes.
Comment: There were no variants in the FBN1, TGFBR1 and TGFBR2 genes, as assessed by exome sequencing (NGS) and MLPA analysis

NM_003036.4(SKI):c.539C>A (p.Thr180Lys)

Gene: SKI (SKI proto-oncogene; plus strand). Cytogenetic location: 1p36.33.
Variant type: single nucleotide variant.
Coding change: c.539C>A on transcript NM_003036.4 (MANE Select); coding-DNA position 539, C replaced by A.
Protein change: p.Thr180Lys; replaces threonine 180 with lysine.
Molecular consequence: missense variant.
Genome position (GRCh38, 1-based): chr1:2,229,305, C>A. VCF-style: chr1-2229305-C-A. GRCh37 (hg19) VCF-style: chr1-2160744-C-A.
Other names: short protein forms T180K.
Identifiers: ClinVar variation 495053 (VCV000495053.4), dbSNP rs863223722, ClinGen allele CA337953910.